The following is an entry in ClinVar:

NM_001369.3(DNAH5):c.3104A>G (p.Asn1035Ser)

Genes: DNAH5 (dynein axonemal heavy chain 5; minus strand), DNAH5-AS1 (DNAH5 antisense RNA 1; plus strand). Cytogenetic location: 5p15.2.
Variant type: single nucleotide variant.
Coding change: c.3104A>G on transcript NM_001369.3 (MANE Select); coding-DNA position 3104, A replaced by G.
Protein change: p.Asn1035Ser; replaces asparagine 1035 with serine.
Molecular consequence: missense variant.
Genome position (GRCh38, 1-based): chr5:13,882,974, T>C on the plus strand (A>G on the coding strand, the complement: DNAH5 is on the minus strand). VCF-style: chr5-13882974-T-C. GRCh37 (hg19) VCF-style: chr5-13883083-T-C.
Other names: short protein forms N1035S.
Identifiers: ClinVar variation 3729235 (VCV003729235.2).

ClinVar aggregate classification (germline): Uncertain significance (1 of 4 stars; one submission).

Conditions:
Primary ciliary dyskinesia. Also called: Ciliary dyskinesia. Identifiers: Orphanet 244, MedGen C0008780, MONDO:0016575, HP:0012265.

Submission:

Labcorp Genetics (formerly Invitae), Labcorp
Classification: Uncertain significance for Primary ciliary dyskinesia. Last evaluated: 2024-09-09. Review status: criteria provided, single submitter. Criteria: Invitae Variant Classification Sherloc (09022015). Collection method: clinical testing. Allele origin: germline.
Comment: This sequence change replaces asparagine, which is neutral and polar, with serine, which is neutral and polar, at codon 1035 of the DNAH5 protein (p.Asn1035Ser). This variant is not present in population databases (gnomAD no frequency). This variant has not been reported in the literature in individuals affected with DNAH5-related conditions. Invitae Evidence Modeling of protein sequence and biophysical properties (such as structural, functional, and spatial information, amino acid conservation, physicochemical variation, residue mobility, and thermodynamic stability) indicates that this missense variant is not expected to disrupt DNAH5 protein function with a negative predictive value of 95%. In summary, the available evidence is currently insufficient to determine the role of this variant in disease. Therefore, it has been classified as a Variant of Uncertain Significance.